The following is an entry in ClinVar:

NM_014845.6(FIG4):c.1445_1452del (p.Leu482fs)

Gene: FIG4 (FIG4 phosphoinositide 5-phosphatase; plus strand). Cytogenetic location: 6q21.
Variant type: Deletion.
Coding change: c.1445_1452del on transcript NM_014845.6 (MANE Select); coding-DNA positions 1445 to 1452, 8 bases deleted (TTCGAACC; older notation c.1445_1452delTTCGAACC).
Protein change: p.Leu482fs; shifts the reading frame from leucine 482.
Molecular consequence: frameshift variant.
Genome position (GRCh38, 1-based): chr6:109,765,023-109,765,030, TTCGAACC deleted; deleting any 8 consecutive bases within chr6:109,765,021-109,765,030 gives the same sequence; the c. name uses the placement nearest the transcript's 3' end. VCF-style (leftmost placement, unchanged base first): chr6-109765020-TCCTTCGAA-T. GRCh37 (hg19) VCF-style: chr6-110086223-TCCTTCGAA-T.
Other names: short protein forms L482fs.
Identifiers: ClinVar variation 1073230 (VCV001073230.7), dbSNP rs2128392205, ClinGen allele CA2499218028.

ClinVar aggregate classification (germline): Pathogenic (1 of 4 stars; one submission).

Conditions:
Charcot-Marie-Tooth disease type 4. Also called: Charcot-Marie-Tooth, Type 4; Charcot-Marie-Tooth disease, type IV. Identifiers: Orphanet 64749, MedGen C4082197, MONDO:0018995.

Submission:

Labcorp Genetics (formerly Invitae), Labcorp
Classification: Pathogenic for Charcot-Marie-Tooth disease type 4. Last evaluated: 2020-02-28. Review status: criteria provided, single submitter. Criteria: Invitae Variant Classification Sherloc (09022015). Collection method: clinical testing. Allele origin: germline.
Comment: This sequence change creates a premature translational stop signal (p.Leu482Glnfs*32) in the FIG4 gene. It is expected to result in an absent or disrupted protein product. This variant is not present in population databases (ExAC no frequency). This variant has not been reported in the literature in individuals with FIG4-related conditions. Loss-of-function variants in FIG4 are known to be pathogenic (PMID: 23623387). For these reasons, this variant has been classified as Pathogenic.

Literature cited by the submitters: PubMed 23623387.